The following is an entry in ClinVar:

ClinVar aggregate classification (germline): Uncertain significance. Review status: criteria provided, multiple submitters, no conflicts (2 of 4 stars). 3 submissions from 3 submitters: Uncertain significance (3). Last evaluated 2026-10-01.

Conditions:
Predisposition to Wilms tumor.

Allele frequency attached by ClinVar (database versions not stated): gnomAD exomes 0.00001; ExAC 0.00002; gnomAD 0.00005; TOPMed 0.00007.
gnomAD v4.1: 21 of 1,612,276 alleles (0.0013%); highest among the groups gnomAD compares: African/African-American, 0.02%; no homozygotes.

Submissions (3):

St. Jude Molecular Pathology, St. Jude Children's Research Hospital
Classification: Uncertain significance for Predisposition to Wilms tumor. Last evaluated: 2026-10-01. Review status: criteria provided, single submitter. Criteria: St. Jude Assertion Criteria 2020. Collection method: clinical testing. Allele origin: germline.
Comment: The TRIM28 c.2093C>T p.(Pro698Leu) missense change has a maximum subpopulation frequency of 0.02% in gnomAD v2.1.1. The in silico tool REVEL predicts a benign effect on protein function, but to our knowledge this prediction has not been confirmed by functional studies. To our knowledge, this variant has not been reported in individuals with Wilms tumor. In summary, the evidence currently available is insufficient to determine the clinical significance of this variant. It has therefore been classified as of uncertain significance.

Labcorp Genetics (formerly Invitae), Labcorp
Classification: Uncertain significance. Last evaluated: 2024-10-30. Review status: criteria provided, single submitter. Criteria: Invitae Variant Classification Sherloc (09022015). Collection method: clinical testing. Allele origin: germline.
Comment: This sequence change replaces proline, which is neutral and non-polar, with leucine, which is neutral and non-polar, at codon 698 of the TRIM28 protein (p.Pro698Leu). This variant is present in population databases (rs766350608, gnomAD 0.02%). This variant has not been reported in the literature in individuals affected with TRIM28-related conditions. ClinVar contains an entry for this variant (Variation ID: 2536666). Experimental studies and prediction algorithms are not available or were not evaluated, and the functional significance of this variant is currently unknown. In summary, the available evidence is currently insufficient to determine the role of this variant in disease. Therefore, it has been classified as a Variant of Uncertain Significance.

Ambry Genetics
Classification: Uncertain significance. Last evaluated: 2023-04-13. Review status: criteria provided, single submitter. Criteria: Ambry Variant Classification Scheme 2023. Collection method: clinical testing. Allele origin: germline.

NM_005762.3(TRIM28):c.2093C>T (p.Pro698Leu)

Gene: TRIM28 (tripartite motif containing 28; plus strand). Cytogenetic location: 19q13.43.
Variant type: single nucleotide variant.
Coding change: c.2093C>T on transcript NM_005762.3 (MANE Select); coding-DNA position 2093, C replaced by T.
Protein change: p.Pro698Leu; replaces proline 698 with leucine.
Molecular consequence: missense variant.
Genome position (GRCh38, 1-based): chr19:58,549,847, C>T. VCF-style: chr19-58549847-C-T. GRCh37 (hg19) VCF-style: chr19-59061214-C-T.
Other names: short protein forms P698L.
Identifiers: ClinVar variation 2536666 (VCV002536666.5), dbSNP rs766350608, ClinGen allele CA9719465.